The following is an entry in ClinVar:

ClinVar aggregate classification (germline): Uncertain significance (1 of 4 stars; one submission).

Allele frequency attached by ClinVar (database versions not stated): gnomAD exomes below 0.00001.
gnomAD v4.1: 1 of 1,613,732 alleles (0.000062%); highest among the groups gnomAD compares: Admixed American, 0.0017%; no homozygotes.

Submission:

Labcorp Genetics (formerly Invitae), Labcorp
Classification: Uncertain significance. Last evaluated: 2021-08-22. Review status: criteria provided, single submitter. Criteria: Invitae Variant Classification Sherloc (09022015). Collection method: clinical testing. Allele origin: germline.
Comment: In summary, the available evidence is currently insufficient to determine the role of this variant in disease. Therefore, it has been classified as a Variant of Uncertain Significance. This sequence change replaces serine with threonine at codon 333 of the ARHGEF18 protein (p.Ser333Thr). The serine residue is highly conserved and there is a small physicochemical difference between serine and threonine. This variant is not present in population databases (ExAC no frequency). This variant has not been reported in the literature in individuals affected with ARHGEF18-related conditions. Algorithms developed to predict the effect of missense changes on protein structure and function are either unavailable or do not agree on the potential impact of this missense change (SIFT: "Deleterious"; PolyPhen-2: "Probably Damaging"; Align-GVGD: "Class C0").

NM_001367823.1(ARHGEF18):c.1562G>C (p.Ser521Thr)

Gene: ARHGEF18 (Rho/Rac guanine nucleotide exchange factor 18; plus strand). Cytogenetic location: 19p13.2.
Variant type: single nucleotide variant.
Coding change: c.1562G>C on transcript NM_001367823.1 (MANE Select); coding-DNA position 1562, G replaced by C.
Protein change: p.Ser521Thr; replaces serine 521 with threonine.
Molecular consequence: missense variant.
Genome position (GRCh38, 1-based): chr19:7,444,405, G>C. VCF-style: chr19-7444405-G-C. GRCh37 (hg19) VCF-style: chr19-7509291-G-C.
Other names: c.836G>C, p.Ser279Thr (NM_001130955.2); c.524G>C, p.Ser175Thr (NM_001367824.1, NM_015318.4); short protein forms S279T, S175T, S521T.
Identifiers: ClinVar variation 1484627 (VCV001484627.6), dbSNP rs1159119798, ClinGen allele CA403104212.